The following is an entry in ClinVar:

NM_000091.5(COL4A3):c.1206_1210del (p.Ser402fs)

Genes: COL4A3 (collagen type IV alpha 3 chain; plus strand), MFF-DT (MFF divergent transcript; minus strand). Cytogenetic location: 2q36.3.
Variant type: Deletion.
Coding change: c.1206_1210del on transcript NM_000091.5 (MANE Select); coding-DNA positions 1206 to 1210, 5 bases deleted (TAAAG; older notation c.1206_1210delTAAAG).
Protein change: p.Ser402fs; shifts the reading frame from serine 402.
Molecular consequence: frameshift variant.
Genome position (GRCh38, 1-based): chr2:227,263,835-227,263,839, TAAAG deleted; deleting any 5 consecutive bases within chr2:227,263,832-227,263,839 gives the same sequence; the c. name uses the placement nearest the transcript's 3' end. VCF-style (leftmost placement, unchanged base first): chr2-227263831-GAAGTA-G. GRCh37 (hg19) VCF-style: chr2-228128547-GAAGTA-G.
Other names: short protein forms S402fs.
Identifiers: ClinVar variation 2027881 (VCV002027881.4), dbSNP rs2469633944, ClinGen allele CA2580065905.
Genomic context (GRCh38, chr2:227,263,831, plus strand): 5'-TTCTCCAAGGATCATCAAGGCCTGGCCTCAGAGGAGCCCCTGGATGGCCAGGCCTGAAAG[GAAGTA>G]AAGGGGAACGAGGCCGCCCAGGAAAGGATGCCATGGGGACTCCTGGGTCCCCAGGTTGTG-3'

ClinVar aggregate classification (germline): Pathogenic (1 of 4 stars; one submission).

Submission:

Labcorp Genetics (formerly Invitae), Labcorp
Classification: Pathogenic. Last evaluated: 2022-09-15. Review status: criteria provided, single submitter. Criteria: Invitae Variant Classification Sherloc (09022015). Collection method: clinical testing. Allele origin: germline.
Comment: For these reasons, this variant has been classified as Pathogenic. This variant is not present in population databases (gnomAD no frequency). This sequence change creates a premature translational stop signal (p.Ser402Argfs*37) in the COL4A3 gene. It is expected to result in an absent or disrupted protein product. Loss-of-function variants in COL4A3 are known to be pathogenic (PMID: 8956999, 24854265, 26809805, 27281700). This variant has not been reported in the literature in individuals affected with COL4A3-related conditions.

Literature cited by the submitters: PubMed 8956999; PubMed 24854265; PubMed 26809805; PubMed 27281700.